The following is an entry in ClinVar:

ClinVar aggregate classification (germline): Uncertain significance. Review status: criteria provided, multiple submitters, no conflicts (2 of 4 stars). 2 submissions from 2 submitters: Uncertain significance (2). Last evaluated 2025-12-11.

Conditions:
Epileptic encephalopathy. Identifiers: MedGen C0543888, HP:0200134.

Allele frequency attached by ClinVar (database versions not stated): TOPMed 0.00039; ESP Exome Variant Server 0.00041; gnomAD exomes 0.00007 and 0.00005; 1000 Genomes Project 0.00040; 1000 Genomes Project 30x 0.00031; gnomAD 0.00033 and 0.00036.
gnomAD v4.1: 120 of 1,591,314 alleles (0.0075%); highest among the groups gnomAD compares: African/African-American, 0.12%; no homozygotes.

Submissions (2):

Ambry Genetics
Classification: Uncertain significance. Last evaluated: 2025-12-11. Review status: criteria provided, single submitter. Criteria: Ambry Variant Classification Scheme 2023. Collection method: clinical testing. Allele origin: germline.

Labcorp Genetics (formerly Invitae), Labcorp
Classification: Uncertain significance for Epileptic encephalopathy. Last evaluated: 2025-08-11. Review status: criteria provided, single submitter. Criteria: Invitae Variant Classification Sherloc (09022015). Collection method: clinical testing. Allele origin: germline.
Comment: This sequence change replaces threonine, which is neutral and polar, with methionine, which is neutral and non-polar, at codon 2661 of the RYR3 protein (p.Thr2661Met). This variant is present in population databases (rs200246566, gnomAD 0.1%), and has an allele count higher than expected for a pathogenic variant. This variant has not been reported in the literature in individuals affected with RYR3-related conditions. ClinVar contains an entry for this variant (Variation ID: 651475). Invitae Evidence Modeling of protein sequence and biophysical properties (such as structural, functional, and spatial information, amino acid conservation, physicochemical variation, residue mobility, and thermodynamic stability) indicates that this missense variant is not expected to disrupt RYR3 protein function with a negative predictive value of 80%. In summary, the available evidence is currently insufficient to determine the role of this variant in disease. Therefore, it has been classified as a Variant of Uncertain Significance.

NM_001036.6(RYR3):c.7982C>T (p.Thr2661Met)

Gene: RYR3 (ryanodine receptor 3; plus strand). Cytogenetic location: 15q14.
Variant type: single nucleotide variant.
Coding change: c.7982C>T on transcript NM_001036.6 (MANE Select); coding-DNA position 7982, C replaced by T.
Protein change: p.Thr2661Met; replaces threonine 2661 with methionine.
Molecular consequence: missense variant.
Genome position (GRCh38, 1-based): chr15:33,746,150, C>T. VCF-style: chr15-33746150-C-T. GRCh37 (hg19) VCF-style: chr15-34038351-C-T.
Other names: c.7982C>T, p.Thr2661Met (NM_001243996.4); c.7982C>T (NM_001036.3); short protein forms T2661M.
Identifiers: ClinVar variation 651475 (VCV000651475.12), dbSNP rs200246566, ClinGen allele CA7460045.